The following is an entry in ClinVar:

ClinVar aggregate classification (germline): Uncertain significance (1 of 4 stars; one submission).

Allele frequency attached by ClinVar (database versions not stated): gnomAD exomes below 0.00001.
gnomAD v4.1: 1 of 1,613,460 alleles (0.000062%); highest among the groups gnomAD compares: Non-Finnish European, 0.000085%; no homozygotes.

Submission:

Labcorp Genetics (formerly Invitae), Labcorp
Classification: Uncertain significance. Last evaluated: 2024-10-14. Review status: criteria provided, single submitter. Criteria: Invitae Variant Classification Sherloc (09022015). Collection method: clinical testing. Allele origin: germline.
Comment: This sequence change replaces threonine, which is neutral and polar, with alanine, which is neutral and non-polar, at codon 30 of the C3 protein (p.Thr30Ala). This variant is not present in population databases (gnomAD no frequency). This variant has not been reported in the literature in individuals affected with C3-related conditions. ClinVar contains an entry for this variant (Variation ID: 2117239). Invitae Evidence Modeling of protein sequence and biophysical properties (such as structural, functional, and spatial information, amino acid conservation, physicochemical variation, residue mobility, and thermodynamic stability) indicates that this missense variant is not expected to disrupt C3 protein function with a negative predictive value of 80%. In summary, the available evidence is currently insufficient to determine the role of this variant in disease. Therefore, it has been classified as a Variant of Uncertain Significance.

NM_000064.4(C3):c.88A>G (p.Thr30Ala)

Gene: C3 (complement C3; minus strand). Cytogenetic location: 19p13.3.
Variant type: single nucleotide variant.
Coding change: c.88A>G on transcript NM_000064.4 (MANE Select); coding-DNA position 88, A replaced by G.
Protein change: p.Thr30Ala; replaces threonine 30 with alanine.
Molecular consequence: missense variant.
Genome position (GRCh38, 1-based): chr19:6,719,390, T>C on the plus strand (A>G on the coding strand, the complement: C3 is on the minus strand). VCF-style: chr19-6719390-T-C. GRCh37 (hg19) VCF-style: chr19-6719401-T-C.
Other names: short protein forms T30A.
Identifiers: ClinVar variation 2117239 (VCV002117239.4), dbSNP rs2512272238, ClinGen allele CA403646313.